The following is an entry in ClinVar:

Single allele

Variant type: Deletion.
Identifiers: ClinVar variation 156985 (VCV000156985.2).

ClinVar aggregate classification (germline): not provided (0 of 4 stars; one submission).

Conditions:
Normal pregnancy. Identifiers: MedGen C0232989.

Submission:

Institute of Molecular and Cell Biology, University of Tartu
No classification provided. Condition: Normal pregnancy. Review status: no classification provided. Collection method: case-control. Allele origin: unknown. Affected: yes. Study: Kasak2014.
Comment: The study aimed to determine the contribution of copy number variants in the genetic etiology of normal and complicated pregnancies. The samples represented (i) maternal blood DNA drawn from healthy pregnant women during 1st or 2nd trimester and (ii) maternal and paternal blood DNA drawn at term pregnancy cases representing normal and complicated gestations (severe preeclampsia, PE; gestational diabetes, GD; small-for-gestational age newborn, SGA; large-for-gestational age newborn, LGA). We performed CNV calling based on genome-wide genotyping dataset (Illumina HumanOmniExpress-24-v1 BeadChip) by applying three algorithms, QuantiSNP, GADA (Genome Alteration Detection Algorithm) and CNstream in parallel. The acquired CNV calls were merged with HD-CNV (Hotspot Detector for Copy Number Variants) program and only the CNVs predicted by at least two programs, were considered in subsequent analysis.

Literature cited by the submitters: PubMed 25666259.